The following is an entry in ClinVar:

NM_032790.4(ORAI1):c.643C>A (p.Pro215Thr)

Gene: ORAI1 (ORAI calcium release-activated calcium modulator 1; plus strand). Cytogenetic location: 12q24.31.
Variant type: single nucleotide variant.
Coding change: c.643C>A on transcript NM_032790.4 (MANE Select); coding-DNA position 643, C replaced by A.
Protein change: p.Pro215Thr; replaces proline 215 with threonine.
Genome position (GRCh38, 1-based): chr12:121,641,380, C>A. VCF-style: chr12-121641380-C-A. GRCh37 (hg19) VCF-style: chr12-122079286-C-A.
Other names: short protein forms P215T.
Identifiers: ClinVar variation 1701215 (VCV001701215.31), dbSNP rs2136853135, ClinGen allele CA386984034.
Genomic context (GRCh38, chr12:121,641,380, plus strand): 5'-TGCTGGGTCAAGTTCTTGCCCCTCAAGAAGCAGCCAGGCCAGCCAAGGCCCACCAGCAAG[C>A]CCCCCGCCAGTGGCGCAGCAGCCAACGTCAGCACCAGCGGCATCACCCCGGGCCAGGCAG-3'
Protein context (NP_116179.2, residues 205-225): QPGQPRPTSK[Pro215Thr]PASGAAANVS

ClinVar aggregate classification (germline): Uncertain significance (1 of 4 stars; one submission).

Submission:

CeGaT Center for Human Genetics Tuebingen
Classification: Uncertain significance. Last evaluated: 2022-07-01. Review status: criteria provided, single submitter. Criteria: CeGaT Center For Human Genetics Tuebingen Variant Classification Criteria Version 2. Collection method: clinical testing. Allele origin: germline. Affected: yes. Observed: 1 variant allele.
Comment: ORAI1: PM2, BP4